The following is an entry in ClinVar:

ClinVar aggregate classification (germline): Uncertain significance (1 of 4 stars; one submission).

Allele frequency attached by ClinVar (database versions not stated): gnomAD 0.00001; TOPMed 0.00001.

Submission:

GeneDx
Classification: Uncertain significance. Last evaluated: 2023-01-03. Review status: criteria provided, single submitter. Criteria: GeneDx Variant Classification Process June 2021. Collection method: clinical testing. Allele origin: germline. Affected: yes.
Comment: Not observed at significant frequency in large population cohorts (gnomAD); In silico analysis supports a deleterious effect on splicing; Has not been previously published as pathogenic or benign to our knowledge

NM_004211.5(SLC6A5):c.541-2dup

Gene: SLC6A5 (solute carrier family 6 member 5; plus strand). Cytogenetic location: 11p15.1.
Variant type: Duplication.
Coding change: c.541-2dup on transcript NM_004211.5 (MANE Select); the canonical splice acceptor site of the intron before coding-DNA position 541, one base duplicated (A; older notation c.541-2dupA).
Molecular consequence: splice acceptor variant. On other transcripts: intron variant (1).
Genome position (GRCh38, 1-based): chr11:20,604,284, A duplicated. VCF-style (leftmost placement, unchanged base first): chr11-20604283-C-CA. GRCh37 (hg19) VCF-style: chr11-20625829-C-CA.
Other names: c.-24+2619dup (NM_001318369.2).
Identifiers: ClinVar variation 2507130 (VCV002507130.1), dbSNP rs1246667570, ClinGen allele CA597485880.